The following is an entry in ClinVar:

ClinVar aggregate classification (germline): Likely pathogenic. Review status: criteria provided, multiple submitters, no conflicts (2 of 4 stars). 5 submissions from 5 submitters: Likely pathogenic (5). Last evaluated 2024-07-18.

Conditions:
Ataxia-telangiectasia-like disorder 1 (ATLD1). Identifiers: Orphanet 251347, MedGen C4012790, MONDO:0024557, OMIM 604391.
Ataxia-telangiectasia-like disorder (ATLD). Identifiers: MedGen C1858391, MONDO:0011457.
Hereditary cancer-predisposing syndrome. Also called: Neoplastic Syndromes, Hereditary; Tumor predisposition; Hereditary Cancer Syndrome; Hereditary neoplastic syndrome. Identifiers: Orphanet 140162, MedGen C0027672, MeSH D009386, MONDO:0015356.

Allele frequency attached by ClinVar (database versions not stated): gnomAD exomes below 0.00001; gnomAD 0.00002; TOPMed 0.00003.

Submissions (5):

Labcorp Genetics (formerly Invitae), Labcorp
Classification: Likely pathogenic for Ataxia-telangiectasia-like disorder. Last evaluated: 2024-07-18. Review status: criteria provided, single submitter. Criteria: Invitae Variant Classification Sherloc (09022015). Collection method: clinical testing. Allele origin: germline.
Comment: This sequence change affects an acceptor splice site in intron 6 of the MRE11 gene. It is expected to disrupt RNA splicing. Variants that disrupt the donor or acceptor splice site typically lead to a loss of protein function (PMID: 16199547), and loss-of-function variants in MRE11 are known to be pathogenic (PMID: 23080121, 23912341). This variant is not present in population databases (gnomAD no frequency). This variant has not been reported in the literature in individuals affected with MRE11-related conditions. ClinVar contains an entry for this variant (Variation ID: 483608). Algorithms developed to predict the effect of sequence changes on RNA splicing suggest that this variant may disrupt the consensus splice site. In summary, the currently available evidence indicates that the variant is pathogenic, but additional data are needed to prove that conclusively. Therefore, this variant has been classified as Likely Pathogenic.

Fulgent Genetics
Classification: Likely pathogenic for Ataxia-telangiectasia-like disorder 1. Last evaluated: 2024-04-26. Review status: criteria provided, single submitter. Criteria: ACMG Guidelines, 2015. Collection method: clinical testing. Allele origin: germline.

Baylor Genetics
Classification: Likely pathogenic for Ataxia-telangiectasia-like disorder 1. Last evaluated: 2024-03-29. Review status: criteria provided, single submitter. Criteria: ACMG Guidelines, 2015. Collection method: clinical testing. Allele origin: unknown.

Ambry Genetics
Classification: Likely pathogenic for Hereditary cancer-predisposing syndrome. Last evaluated: 2022-05-11. Review status: criteria provided, single submitter. Criteria: Ambry Variant Classification Scheme 2023. Collection method: clinical testing. Allele origin: germline.
Comment: The c.545-1G>A intronic variant results from a G to A substitution one nucleotide upstream from coding exon 6 of the MRE11A gene. This variant is considered to be rare based on population cohorts in the Genome Aggregation Database (gnomAD). This nucleotide position is highly conserved in available vertebrate species. In silico splice site analysis predicts that this alteration will weaken the native splice acceptor site; however, direct evidence is insufficient at this time (Ambry internal data). Alterations that disrupt the canonical splice site are expected to cause aberrant splicing, resulting in an abnormal protein or a transcript that is subject to nonsense-mediated mRNA decay. As such, this alteration is classified as likely pathogenic.

Athena Diagnostics
Classification: Likely pathogenic. Last evaluated: 2019-05-23. Review status: criteria provided, single submitter. Criteria: Athena Diagnostics Criteria. Collection method: clinical testing. Allele origin: germline.
Comment: The variant disrupts a canonical splice site, and is therefore predicted to result in the loss of a functional protein. Not found in the total gnomAD dataset, and the data is high quality (0/277550 chr).

Literature cited by the submitters: PubMed 16199547 (cited by Labcorp Genetics (formerly Invitae), Labcorp); PubMed 23080121 (cited by Labcorp Genetics (formerly Invitae), Labcorp); PubMed 23912341 (cited by Labcorp Genetics (formerly Invitae), Labcorp).

NM_005591.4(MRE11):c.545-1G>A

Gene: MRE11 (MRE11 double strand break repair nuclease; minus strand). Cytogenetic location: 11q21.
Variant type: single nucleotide variant.
Coding change: c.545-1G>A on transcript NM_005591.4 (MANE Select); the canonical splice acceptor site of the intron before coding-DNA position 545, G replaced by A.
Molecular consequence: splice acceptor variant.
Genome position (GRCh38, 1-based): chr11:94,476,404, C>T on the plus strand (G>A on the coding strand, the complement: MRE11 is on the minus strand). VCF-style: chr11-94476404-C-T. GRCh37 (hg19) VCF-style: chr11-94209570-C-T.
Other names: c.545-1G>A (NM_001330347.2, NM_005590.4).
Identifiers: ClinVar variation 483608 (VCV000483608.12), dbSNP rs1451215042, ClinGen allele CA382377052.